The following is an entry in ClinVar:

NM_022489.4(INF2):c.1097A>G (p.Gln366Arg)

Gene: INF2 (inverted formin 2; plus strand). Cytogenetic location: 14q32.33.
Variant type: single nucleotide variant.
Coding change: c.1097A>G on transcript NM_022489.4 (MANE Select); coding-DNA position 1097, A replaced by G.
Protein change: p.Gln366Arg; replaces glutamine 366 with arginine.
Molecular consequence: missense variant.
Genome position (GRCh38, 1-based): chr14:104,707,364, A>G. VCF-style: chr14-104707364-A-G. GRCh37 (hg19) VCF-style: chr14-105173701-A-G.
Other names: c.1097A>G, p.Gln366Arg (NM_001031714.4); short protein forms Q366R.
Identifiers: ClinVar variation 1423962 (VCV001423962.10), dbSNP rs747903915, ClinGen allele CA7372506.
Genomic context (GRCh38, chr14:104,707,364, plus strand): 5'-GGCGACCCAGACCGAGCCCCCTGGTCAAGGCCCATAAAAGCGTCCAGGCCAACCTAGACC[A>G]GAGCCAGAGGGGCAGCTCCCCGCAAAACACTACAACCCCCAAGCCCAGCGTGGAGGGCCA-3'
Protein context (NP_071934.3, residues 356-376): AHKSVQANLD[Gln366Arg]SQRGSSPQNT

ClinVar aggregate classification (germline): Conflicting classifications of pathogenicity. Review status: criteria provided, conflicting classifications (1 of 4 stars). 2 submissions from 2 submitters: Uncertain significance (1); Likely benign (1). Last evaluated 2025-05-25.

Conditions:
Inborn genetic diseases. Identifiers: MedGen C0950123, MeSH D030342.
Focal segmental glomerulosclerosis 5 (FSGS5). Identifiers: Orphanet 656, MedGen C2750475, MONDO:0013191, OMIM 613237.
Charcot-Marie-Tooth disease dominant intermediate E. Also called: CHARCOT-MARIE-TOOTH NEUROPATHY WITH FOCAL SEGMENTAL GLOMERULONEPHRITIS. Identifiers: Orphanet 93114, MedGen C4302667, MONDO:0013758, OMIM 614455.

Allele frequency attached by ClinVar (database versions not stated): gnomAD exomes 0.00001; TOPMed 0.00001.
gnomAD v4.1: 8 of 1,597,134 alleles (0.0005%); highest among the groups gnomAD compares: East Asian, 0.0046%; no homozygotes.

Submissions (2):

Labcorp Genetics (formerly Invitae), Labcorp
Classification: Likely benign for Charcot-Marie-Tooth disease dominant intermediate E; Focal segmental glomerulosclerosis 5. Last evaluated: 2025-05-25. Review status: criteria provided, single submitter. Criteria: Invitae Variant Classification Sherloc (09022015). Collection method: clinical testing. Allele origin: germline.

Ambry Genetics
Classification: Uncertain significance for Inborn genetic diseases. Last evaluated: 2020-08-12. Review status: criteria provided, single submitter. Criteria: Ambry Variant Classification Scheme 2023. Collection method: clinical testing. Allele origin: germline.
Comment: The p.Q366R variant (also known as c.1097A>G), located in coding exon 7 of the INF2 gene, results from an A to G substitution at nucleotide position 1097. The glutamine at codon 366 is replaced by arginine, an amino acid with highly similar properties. This amino acid position is not well conserved in available vertebrate species. In addition, this alteration is predicted to be tolerated by in silico analysis. Since supporting evidence is limited at this time, the clinical significance of this alteration remains unclear.